The following is an entry in ClinVar:

NM_206933.4(USH2A):c.12624C>G (p.Asp4208Glu)

Gene: USH2A (usherin; minus strand). Cytogenetic location: 1q41.
Variant type: single nucleotide variant.
Coding change: c.12624C>G on transcript NM_206933.4 (MANE Select); coding-DNA position 12624, C replaced by G.
Protein change: p.Asp4208Glu; replaces aspartic acid 4208 with glutamic acid.
Molecular consequence: missense variant.
Genome position (GRCh38, 1-based): chr1:215,675,287, G>C on the plus strand (C>G on the coding strand, the complement: USH2A is on the minus strand). VCF-style: chr1-215675287-G-C. GRCh37 (hg19) VCF-style: chr1-215848629-G-C.
Other names: short protein forms D4208E.
Identifiers: ClinVar variation 2107569 (VCV002107569.4), dbSNP rs375223901, ClinGen allele CA344850354.

ClinVar aggregate classification (germline): Uncertain significance (1 of 4 stars; one submission).

Submission:

Labcorp Genetics (formerly Invitae), Labcorp
Classification: Uncertain significance. Last evaluated: 2022-04-26. Review status: criteria provided, single submitter. Criteria: Invitae Variant Classification Sherloc (09022015). Collection method: clinical testing. Allele origin: germline.
Comment: In summary, the available evidence is currently insufficient to determine the role of this variant in disease. Therefore, it has been classified as a Variant of Uncertain Significance. Algorithms developed to predict the effect of missense changes on protein structure and function output the following: SIFT: "Deleterious"; PolyPhen-2: "Benign"; Align-GVGD: "Class C0". The glutamic acid amino acid residue is found in multiple mammalian species, which suggests that this missense change does not adversely affect protein function. This variant has not been reported in the literature in individuals affected with USH2A-related conditions. This variant is not present in population databases (gnomAD no frequency). This sequence change replaces aspartic acid, which is acidic and polar, with glutamic acid, which is acidic and polar, at codon 4208 of the USH2A protein (p.Asp4208Glu).